The following is an entry in ClinVar:

ClinVar aggregate classification (germline): Uncertain significance (1 of 4 stars; one submission).

Allele frequency attached by ClinVar (database versions not stated): gnomAD exomes below 0.00001.

Submission:

Labcorp Genetics (formerly Invitae), Labcorp
Classification: Uncertain significance. Last evaluated: 2023-05-28. Review status: criteria provided, single submitter. Criteria: Invitae Variant Classification Sherloc (09022015). Collection method: clinical testing. Allele origin: germline.
Comment: An algorithm developed to predict the effect of missense changes on protein structure and function (PolyPhen-2) suggests that this variant is likely to be disruptive. This variant has not been reported in the literature in individuals affected with TAOK2-related conditions. This variant is not present in population databases (gnomAD no frequency). This sequence change replaces methionine, which is neutral and non-polar, with threonine, which is neutral and polar, at codon 105 of the TAOK2 protein (p.Met105Thr). In summary, the available evidence is currently insufficient to determine the role of this variant in disease. Therefore, it has been classified as a Variant of Uncertain Significance.

NM_016151.4(TAOK2):c.314T>C (p.Met105Thr)

Gene: TAOK2 (TAO kinase 2; plus strand). Cytogenetic location: 16p11.2.
Variant type: single nucleotide variant.
Coding change: c.314T>C on transcript NM_016151.4 (MANE Select); coding-DNA position 314, T replaced by C.
Protein change: p.Met105Thr; replaces methionine 105 with threonine.
Molecular consequence: missense variant.
Genome position (GRCh38, 1-based): chr16:29,978,806, T>C. VCF-style: chr16-29978806-T-C. GRCh37 (hg19) VCF-style: chr16-29990127-T-C.
Other names: c.314T>C, p.Met105Thr (NM_001252043.2, NM_004783.4); short protein forms M105T.
Identifiers: ClinVar variation 2745316 (VCV002745316.3), dbSNP rs2543608012, ClinGen allele CA395470789.
Genomic context (GRCh38, chr16:29,978,806, plus strand): 5'-TTTTGAGTCCCTGCCCAGGAGACTCTGATCTCTGACCCTTGTCTCTTCCTTAGCTGGTAA[T>C]GGAGTATTGCCTGGGCTCAGCTTCTGACCTTCTAGAAGGTAAGTGACTGATAGGCCAATA-3'
Protein context (NP_057235.2, residues 95-115): YLREHTAWLV[Met105Thr]EYCLGSASDL